The following is an entry in ClinVar:

NM_004991.4(MECOM):c.46T>G (p.Cys16Gly)

Gene: MECOM (MDS1 and EVI1 complex locus; minus strand). Cytogenetic location: 3q26.2.
Variant type: single nucleotide variant.
Coding change: c.46T>G on transcript NM_004991.4 (MANE Select); coding-DNA position 46, T replaced by G.
Protein change: p.Cys16Gly; replaces cysteine 16 with glycine.
Molecular consequence: missense variant. On other transcripts: intron variant (1).
Genome position (GRCh38, 1-based): chr3:169,381,516, A>C on the plus strand (T>G on the coding strand, the complement: MECOM is on the minus strand). VCF-style: chr3-169381516-A-C. GRCh37 (hg19) VCF-style: chr3-169099304-A-C.
Other names: c.46T>G, p.Cys16Gly (NM_001366466.2, NM_001366473.2); c.-189-237684T>G (NM_001205194.2); short protein forms C16G.
Identifiers: ClinVar variation 5001934 (VCV005001934.1).

ClinVar aggregate classification (germline): Uncertain significance (1 of 4 stars; one submission).

Conditions:
MECOM-related disorder. Also called: MECOM-related condition.

gnomAD v4.1: 6 of 1,588,662 alleles (0.00038%); highest among the groups gnomAD compares: African/African-American, 0.0081%; no homozygotes.

Submission:

PreventionGenetics, part of Exact Sciences
Classification: Uncertain significance for MECOM-related condition. Last evaluated: 2025-05-09. Review status: criteria provided, single submitter. Criteria: ACMG Guidelines, 2015. Collection method: clinical testing. Allele origin: germline.
Comment: The MECOM c.46T>G variant is predicted to result in the amino acid substitution p.Cys16Gly. To our knowledge, this variant has not been reported in the literature. This variant is reported in 0.017% of alleles in individuals of African descent in gnomAD. At the time of reporting, this variant is absent from the ClinVar database. Although we suspect that this variant may be benign, at this time, the clinical significance of this variant is uncertain due to the absence of conclusive functional and genetic evidence.